The following is an entry in ClinVar:

NM_002448.3(MSX1):c.787G>C (p.Val263Leu)

Gene: MSX1 (msh homeobox 1; plus strand). Cytogenetic location: 4p16.2.
Variant type: single nucleotide variant.
Coding change: c.787G>C on transcript NM_002448.3 (MANE Select); coding-DNA position 787, G replaced by C.
Protein change: p.Val263Leu; replaces valine 263 with leucine.
Molecular consequence: missense variant.
Genome position (GRCh38, 1-based): chr4:4,863,018, G>C. VCF-style: chr4-4863018-G-C. GRCh37 (hg19) VCF-style: chr4-4864745-G-C.
Other names: short protein forms V263L.
Identifiers: ClinVar variation 2663748 (VCV002663748.4), dbSNP rs747563297, ClinGen allele CA356138851.

ClinVar aggregate classification (germline): Uncertain significance. Review status: criteria provided, multiple submitters, no conflicts (2 of 4 stars). 2 submissions from 2 submitters: Uncertain significance (2). Last evaluated 2023-04-03.

Conditions:
Hypoplastic enamel-onycholysis-hypohidrosis syndrome (TNS). Also called: NAIL DYSPLASIA WITH HYPODONTIA; ECTODERMAL DYSPLASIA 3, WITKOP TYPE; ECTODERMAL DYSPLASIA 3, TOOTH/NAIL TYPE; WITKOP SYNDROME; Tooth-and-Nail Syndrome. Identifiers: Orphanet 2228, MedGen C0406735, MONDO:0008582, OMIM 189500.

Allele frequency attached by ClinVar (database versions not stated): TOPMed below 0.00001; gnomAD 0.00001.
gnomAD v4.1: 4 of 1,611,254 alleles (0.00025%); highest among the groups gnomAD compares: South Asian, 0.0011%; no homozygotes.

Submissions (2):

GeneDx
Classification: Uncertain significance. Last evaluated: 2023-04-03. Review status: criteria provided, single submitter. Criteria: GeneDx Variant Classification Process June 2021. Collection method: clinical testing. Allele origin: germline. Affected: yes.
Comment: Not observed at significant frequency in large population cohorts (gnomAD); In silico analysis supports that this missense variant does not alter protein structure/function; Has not been previously published as pathogenic or benign to our knowledge

Labcorp Genetics (formerly Invitae), Labcorp
Classification: Uncertain significance for Hypoplastic enamel-onycholysis-hypohidrosis syndrome. Last evaluated: 2022-12-03. Review status: criteria provided, single submitter. Criteria: Invitae Variant Classification Sherloc (09022015). Collection method: clinical testing. Allele origin: germline.
Comment: This sequence change replaces valine, which is neutral and non-polar, with leucine, which is neutral and non-polar, at codon 263 of the MSX1 protein (p.Val263Leu). This variant is not present in population databases (gnomAD no frequency). This variant has not been reported in the literature in individuals affected with MSX1-related conditions. Algorithms developed to predict the effect of missense changes on protein structure and function are either unavailable or do not agree on the potential impact of this missense change (SIFT: "Deleterious"; PolyPhen-2: "Benign"; Align-GVGD: "Class C0"). In summary, the available evidence is currently insufficient to determine the role of this variant in disease. Therefore, it has been classified as a Variant of Uncertain Significance.